The following is an entry in ClinVar:

ClinVar aggregate classification (germline): Conflicting classifications of pathogenicity. Review status: criteria provided, conflicting classifications (1 of 4 stars). 4 submissions from 4 submitters: Pathogenic (2); Likely pathogenic (1); Uncertain significance (1). Last evaluated 2025-02-23.

Conditions:
Hereditary pulmonary alveolar proteinosis. Also called: Pulmonary surfactant metabolism dysfunction. Identifiers: Orphanet 264675, MedGen C3711368, MONDO:0012580.
Surfactant metabolism dysfunction, pulmonary, 2 (SMDP2). Also called: DESQUAMATIVE INTERSTITIAL PNEUMONITIS DUE TO SURFACTANT PROTEIN C DEFICIENCY; INTERSTITIAL LUNG DISEASE DUE TO SURFACTANT PROTEIN C DEFICIENCY; PULMONARY ALVEOLAR PROTEINOSIS, CONGENITAL, 2. Identifiers: Orphanet 440392, MedGen C1970470, MONDO:0024465, OMIM 610913.

Submissions (4):

GeneDx
Classification: Pathogenic. Last evaluated: 2025-02-23. Review status: criteria provided, single submitter. Criteria: GeneDx Variant Classification Process June 2021. Collection method: clinical testing. Allele origin: germline. Affected: yes.
Comment: Published in vitro functional studies suggest the C189Y variant results in ER retention and lack of protein maturation (PMID: 33179299); In silico analysis supports that this missense variant has a deleterious effect on protein structure/function; Not observed at significant frequency in large population cohorts (gnomAD); This variant is associated with the following publications: (PMID: 19443464, 38038158, 38363828, 20658481, 33179299)

Baylor Genetics
Classification: Pathogenic for Surfactant metabolism dysfunction, pulmonary, 2. Last evaluated: 2019-12-05. Review status: criteria provided, single submitter. Criteria: ACMG Guidelines, 2015. Collection method: clinical testing. Allele origin: de novo. Affected: yes.
Comment: This variant was determined to be pathogenic according to ACMG Guidelines, 2015 [PMID:25741868]. This variant has been previously reported as disease-causing by following sources [PMID: 19443464]

Johns Hopkins Genomics, Johns Hopkins University
Classification: Likely pathogenic for Surfactant metabolism dysfunction, pulmonary, 2. Last evaluated: 2019-12-04. Review status: criteria provided, single submitter. Criteria: ACMG Guidelines, 2015. Collection method: clinical testing. Allele origin: germline.
Comment: This SFTPC variant has been previously reported in multiple patients with interstitial lung disease. It is absent from a large population dataset and has not been reported in ClinVar, to our knowledge. SFTPC p.Cys189 is located within the C-terminus of the BRICHOS domain and is critical for stabilizing the proprotein3. Three bioinformatic tools queried predict that this substitution would be damaging, and the cysteine residue at this position is evolutionarily conserved across all species assessed. We consider this variant to be likely pathogenic.

Ambry Genetics
Classification: Uncertain significance for Hereditary pulmonary alveolar proteinosis. Last evaluated: 2014-12-09. Review status: criteria provided, single submitter. Criteria: Ambry Variant Classification Scheme 2023. Collection method: clinical testing. Allele origin: germline.
Comment: The p.C189Y variant (also known as c.566G>A), located in coding exon 5 of the SFTPC gene, results from a G to A substitution at nucleotide position 566. The cysteine at codon 189 is replaced by tyrosine, an amino acid with highly dissimilar properties. This variant was described in two siblings who presented with interstitial lung disease at birth, but both the father and paternal grandfather with this same variant were described as asymptomatic (Guillot L, J. Med. Genet. 2009 Jul; 46(7):490-4). This variant was not reported in population based cohorts in the following databases: Database of Single Nucleotide Polymorphisms (dbSNP), NHLBI Exome Sequencing Project (ESP), and 1000 Genomes Project. In the ESP, this variant was not observed in 6233 samples (12,466 alleles) with coverage at this position. This amino acid position is highly conserved in available vertebrate species. In addition, this alteration is predicted to be deleterious by in silico analysis. Since supporting evidence for this variant is limited at this time, its clinical significance remains unclear.

Literature cited by the submitters: PubMed 19443464 (cited by Baylor Genetics and Ambry Genetics); PubMed 20403820 (cited by Ambry Genetics); PubMed 20658481 (cited by Ambry Genetics).

NM_001317778.2(SFTPC):c.548G>A (p.Cys183Tyr)

Gene: SFTPC (surfactant protein C; plus strand). Cytogenetic location: 8p21.3.
Variant type: single nucleotide variant.
Coding change: c.548G>A on transcript NM_001317778.2 (MANE Select); coding-DNA position 548, G replaced by A.
Protein change: p.Cys183Tyr; replaces cysteine 183 with tyrosine.
Molecular consequence: missense variant.
Genome position (GRCh38, 1-based): chr8:22,164,013, G>A. VCF-style: chr8-22164013-G-A. GRCh37 (hg19) VCF-style: chr8-22021526-G-A.
Other names: c.548G>A, p.Cys183Tyr (NM_001172357.2, NM_001317780.2, NM_001385656.1 and 3 more transcripts); c.566G>A, p.Cys189Tyr (NM_001172410.2, NM_001385653.1, NM_001385654.1 and 2 more transcripts); c.407G>A, p.Cys136Tyr (NM_001317779.2, NM_001385660.1); short protein forms C136Y, C183Y, C189Y.
Identifiers: ClinVar variation 978452 (VCV000978452.5), dbSNP rs1827914094, ClinGen allele CA370538445.